The following is an entry in ClinVar:

NM_001378615.1(CC2D2A):c.1409C>G (p.Pro470Arg)

Genes: CC2D2A (coiled-coil and C2 domain containing 2A; plus strand), FBXL5 (F-box and leucine rich repeat protein 5; minus strand). Cytogenetic location: 4p15.32.
Variant type: single nucleotide variant.
Coding change: c.1409C>G on transcript NM_001378615.1 (MANE Select); coding-DNA position 1409, C replaced by G.
Protein change: p.Pro470Arg; replaces proline 470 with arginine.
Molecular consequence: missense variant.
Genome position (GRCh38, 1-based): chr4:15,528,669, C>G. VCF-style: chr4-15528669-C-G. GRCh37 (hg19) VCF-style: chr4-15530292-C-G.
Other names: c.1409C>G, p.Pro470Arg (NM_001080522.2); c.1262C>G, p.Pro421Arg (NM_001378617.1); short protein forms P421R, P470R.
Identifiers: ClinVar variation 1447226 (VCV001447226.8), dbSNP rs370978967, ClinGen allele CA2863660.

ClinVar aggregate classification (germline): Uncertain significance. Review status: criteria provided, multiple submitters, no conflicts (2 of 4 stars). 3 submissions from 3 submitters: Uncertain significance (3). Last evaluated 2026-08-11.

Conditions:
Joubert syndrome. Also called: JOUBERT-BOLTSHAUSER SYNDROME; Familial aplasia of the vermis. Identifiers: Orphanet 475, MedGen C5979921, MONDO:0018772.
Meckel-Gruber syndrome. Also called: DYSENCEPHALIA SPLANCHNOCYSTICA; GRUBER SYNDROME; Dysencephalia splachnocystica. Identifiers: Orphanet 564, MedGen C0265215, MONDO:0018921.
COACH syndrome 2. Identifiers: MedGen C5436837, MONDO:0030859, OMIM 619111.
Meckel syndrome, type 6. Identifiers: Orphanet 564, MedGen C2676790, MONDO:0012848, OMIM 612284.
Retinitis pigmentosa 93. Identifiers: MedGen C5676970, MONDO:0030797, OMIM 619845.
Joubert syndrome 9 (JBTS9). Identifiers: Orphanet 2318, MedGen C2676788, MONDO:0012849, OMIM 612285.
CC2D2A-related disorder. Also called: CC2D2A-related disorders; CC2D2A-related condition. Identifiers: MedGen CN239313.

Allele frequency attached by ClinVar (database versions not stated): gnomAD exomes below 0.00001; ExAC 0.00001; gnomAD 0.00001; TOPMed 0.00002; ESP Exome Variant Server 0.00008.
gnomAD v4.1: 3 of 1,613,696 alleles (0.00019%); highest among the groups gnomAD compares: African/African-American, 0.004%; no homozygotes.

Submissions (3):

PreventionGenetics, part of Exact Sciences
Classification: Uncertain significance for CC2D2A-related condition. Last evaluated: 2026-08-11. Review status: criteria provided, single submitter. Criteria: ACMG Guidelines, 2015. Collection method: clinical testing. Allele origin: germline.
Comment: The CC2D2A c.1409C>G variant is predicted to result in the amino acid substitution p.Pro470Arg. To our knowledge, this variant has not been reported in the literature. This variant is reported in 0.0065% of alleles in individuals of African descent in gnomAD. At this time, the clinical significance of this variant is uncertain due to the absence of conclusive functional and genetic evidence.

Fulgent Genetics
Classification: Uncertain significance for Meckel syndrome, type 6; Joubert syndrome 9; COACH syndrome 2; Retinitis pigmentosa 93. Last evaluated: 2024-04-16. Review status: criteria provided, single submitter. Criteria: ACMG Guidelines, 2015. Collection method: clinical testing. Allele origin: germline.

Labcorp Genetics (formerly Invitae), Labcorp
Classification: Uncertain significance for Joubert syndrome; Meckel-Gruber syndrome. Last evaluated: 2023-04-24. Review status: criteria provided, single submitter. Criteria: Invitae Variant Classification Sherloc (09022015). Collection method: clinical testing. Allele origin: germline.
Comment: In summary, the available evidence is currently insufficient to determine the role of this variant in disease. Therefore, it has been classified as a Variant of Uncertain Significance. Advanced modeling of protein sequence and biophysical properties (such as structural, functional, and spatial information, amino acid conservation, physicochemical variation, residue mobility, and thermodynamic stability) performed at Invitae indicates that this missense variant is not expected to disrupt CC2D2A protein function. ClinVar contains an entry for this variant (Variation ID: 1447226). This variant has not been reported in the literature in individuals affected with CC2D2A-related conditions. This variant is present in population databases (rs370978967, gnomAD 0.007%). This sequence change replaces proline, which is neutral and non-polar, with arginine, which is basic and polar, at codon 470 of the CC2D2A protein (p.Pro470Arg).